The following is an entry in ClinVar:

NM_018191.4(RCBTB1):c.1443A>G (p.Arg481=)

Gene: RCBTB1 (RCC1 and BTB domain containing protein 1; minus strand). Cytogenetic location: 13q14.2.
Variant type: single nucleotide variant.
Coding change: c.1443A>G on transcript NM_018191.4 (MANE Select); coding-DNA position 1443, A replaced by G.
Protein change: p.Arg481=; no amino-acid change (arginine 481 retained).
Molecular consequence: synonymous variant. On other transcripts: non-coding transcript variant (2).
Genome position (GRCh38, 1-based): chr13:49,540,888, T>C on the plus strand (A>G on the coding strand, the complement: RCBTB1 is on the minus strand). VCF-style: chr13-49540888-T-C. GRCh37 (hg19) VCF-style: chr13-50115024-T-C.
Other names: c.1443A>G, p.Arg481= (NM_001352500.2, NM_001352501.2, NM_001352502.2 and 2 more transcripts); c.864A>G, p.Arg288= (NM_001352506.2).
Identifiers: ClinVar variation 1930902 (VCV001930902.5), dbSNP rs2547415025, ClinGen allele CA483746451.
Genomic context (GRCh38, chr13:49,540,888, plus strand): 5'-ACAAAGGGAGTTAAAGGTGGTCTGGTTTCTGTTTGTTGTTTAAGTTACCTCTGCATCATA[T>C]CTGACTGCAGCAGAGAATAGCGAAAAGGCATTCTCCACAGTAATTCCTCTCTTGATAATG-3'
Protein context (NP_060661.3, residues 471-491): NAFSLFSAAV[Arg481=]YDAEDLEEFC

ClinVar aggregate classification (germline): Uncertain significance (1 of 4 stars; one submission).

Allele frequency attached by ClinVar (database versions not stated): gnomAD exomes below 0.00001.
gnomAD v4.1: 3 of 1,613,836 alleles (0.00019%); highest among the groups gnomAD compares: Non-Finnish European, 0.00025%; no homozygotes.

Submission:

Labcorp Genetics (formerly Invitae), Labcorp
Classification: Uncertain significance. Last evaluated: 2022-07-30. Review status: criteria provided, single submitter. Criteria: Invitae Variant Classification Sherloc (09022015). Collection method: clinical testing. Allele origin: germline.
Comment: This sequence change affects codon 481 of the RCBTB1 mRNA. It is a 'silent' change, meaning that it does not change the encoded amino acid sequence of the RCBTB1 protein. This variant is not present in population databases (gnomAD no frequency). This variant has not been reported in the literature in individuals affected with RCBTB1-related conditions. Algorithms developed to predict the effect of sequence changes on RNA splicing suggest that this variant may disrupt the consensus splice site. In summary, the available evidence is currently insufficient to determine the role of this variant in disease. Therefore, it has been classified as a Variant of Uncertain Significance.